The following is an entry in ClinVar:

ClinVar aggregate classification (germline): Uncertain significance (1 of 4 stars; one submission).

Allele frequency attached by ClinVar (database versions not stated): gnomAD exomes below 0.00001; TOPMed below 0.00001.
gnomAD v4.1: 6 of 1,614,128 alleles (0.00037%); highest among the groups gnomAD compares: Non-Finnish European, 0.00051%; no homozygotes.

Submission:

GeneDx
Classification: Uncertain significance. Last evaluated: 2023-01-04. Review status: criteria provided, single submitter. Criteria: GeneDx Variant Classification Process June 2021. Collection method: clinical testing. Allele origin: germline. Affected: yes.
Comment: Not observed at significant frequency in large population cohorts (gnomAD); In silico analysis supports that this missense variant has a deleterious effect on protein structure/function; Has not been previously published as pathogenic or benign to our knowledge

NM_002470.4(MYH3):c.3265T>C (p.Cys1089Arg)

Gene: MYH3 (myosin heavy chain 3; minus strand). Cytogenetic location: 17p13.1.
Variant type: single nucleotide variant.
Coding change: c.3265T>C on transcript NM_002470.4 (MANE Select); coding-DNA position 3265, T replaced by C.
Protein change: p.Cys1089Arg; replaces cysteine 1089 with arginine.
Molecular consequence: missense variant.
Genome position (GRCh38, 1-based): chr17:10,638,947, A>G on the plus strand (T>C on the coding strand, the complement: MYH3 is on the minus strand). VCF-style: chr17-10638947-A-G. GRCh37 (hg19) VCF-style: chr17-10542264-A-G.
Other names: short protein forms C1089R.
Identifiers: ClinVar variation 2572814 (VCV002572814.1), dbSNP rs2074243370, ClinGen allele CA398153692.